The following is an entry in ClinVar:

ClinVar aggregate classification (germline): Uncertain significance (1 of 4 stars; one submission).

Conditions:
Inborn genetic diseases. Identifiers: MedGen C0950123, MeSH D030342.

gnomAD v4.1: 1 of 1,611,454 alleles (0.000062%); highest among the groups gnomAD compares: African/African-American, 0.0013%; no homozygotes.

Submission:

Ambry Genetics
Classification: Uncertain significance for Inborn genetic diseases. Last evaluated: 2025-08-25. Review status: criteria provided, single submitter. Criteria: Ambry Variant Classification Scheme 2023. Collection method: clinical testing. Allele origin: germline.
Comment: The p.Q1270L variant (also known as c.3809A>T), located in coding exon 33 of the RTEL1 gene, results from an A to T substitution at nucleotide position 3809. The glutamine at codon 1270 is replaced by leucine, an amino acid with dissimilar properties. This amino acid position is conserved. In addition, this alteration is predicted to be tolerated by in silico analysis. Based on the available evidence, the clinical significance of this variant remains unclear.

NM_001283009.2(RTEL1):c.3809A>T (p.Gln1270Leu)

Genes: RTEL1 (regulator of telomere elongation helicase 1; plus strand), RTEL1-TNFRSF6B (RTEL1-TNFRSF6B readthrough (NMD candidate); plus strand). Cytogenetic location: 20q13.33.
Variant type: single nucleotide variant.
Coding change: c.3809A>T on transcript NM_001283009.2 (MANE Select); coding-DNA position 3809, A replaced by T.
Protein change: p.Gln1270Leu; replaces glutamine 1270 with leucine.
Molecular consequence: missense variant. On other transcripts: non-coding transcript variant (1), intron variant (3).
Genome position (GRCh38, 1-based): chr20:63,695,637, A>T. VCF-style: chr20-63695637-A-T. GRCh37 (hg19) VCF-style: chr20-62326990-A-T.
Other names: c.2984-141A>T (NM_001283010.1); c.3725-141A>T (NM_032957.5); c.3653-141A>T (NM_016434.4); short protein forms Q1270L.
Identifiers: ClinVar variation 4157702 (VCV004157702.1).